The following is an entry in ClinVar:

ClinVar aggregate classification (germline): Likely benign (1 of 4 stars; one submission).

Submission:

CeGaT Center for Human Genetics Tuebingen
Classification: Likely benign. Last evaluated: 2026-08-01. Review status: criteria provided, single submitter. Criteria: CeGaT Center For Human Genetics Tuebingen Variant Classification Criteria Version 2. Collection method: clinical testing. Allele origin: germline. Affected: yes. Observed: 1 variant allele.
Comment: MLIP: PM2:Supporting, BP4, BP7

NM_001281747.2(MLIP):c.1977C>G (p.Ser659=)

Gene: MLIP (muscular LMNA interacting protein; plus strand). Cytogenetic location: 6p12.1.
Variant type: single nucleotide variant.
Coding change: c.1977C>G on transcript NM_001281747.2 (MANE Select); coding-DNA position 1977, C replaced by G.
Protein change: p.Ser659=; no amino-acid change (serine 659 retained).
Molecular consequence: synonymous variant. On other transcripts: intron variant (1).
Genome position (GRCh38, 1-based): chr6:54,138,046, C>G. VCF-style: chr6-54138046-C-G. GRCh37 (hg19) VCF-style: chr6-54002844-C-G.
Other names: c.1944C>G, p.Ser648= (NM_001281746.2); c.613-11010C>G (NM_138569.3).
Identifiers: ClinVar variation 5038983 (VCV005038983.1).